The following is an entry in ClinVar:

NM_001927.4(DES):c.1411T>C (p.Ter471Gln)

Gene: DES (desmin; plus strand). Cytogenetic location: 2q35.
Variant type: single nucleotide variant.
Coding change: c.1411T>C on transcript NM_001927.4 (MANE Select); coding-DNA position 1411, T replaced by C.
Protein change: p.Ter471Gln.
Molecular consequence: stop lost.
Genome position (GRCh38, 1-based): chr2:219,425,988, T>C. VCF-style: chr2-219425988-T-C. GRCh37 (hg19) VCF-style: chr2-220290710-T-C.
Other names: *471Q; c.1411T>C (LRG_380t1).
Identifiers: ClinVar variation 290014 (VCV000290014.14), dbSNP rs886044329, ClinGen allele CA10606626.

ClinVar aggregate classification (germline): Conflicting classifications of pathogenicity. Review status: criteria provided, conflicting classifications (1 of 4 stars). 2 submissions from 2 submitters: Likely pathogenic (1); Uncertain significance (1). Last evaluated 2020-01-15.

Conditions:
Desmin-related myofibrillar myopathy (MFM1). Also called: Myofibrillar myopathy 1; MYOFIBRILLAR MYOPATHY WITH ARRHYTHMOGENIC RIGHT VENTRICULAR CARDIOMYOPATHY; DESMIN-RELATED MYOPATHY WITH ARRHYTHMOGENIC RIGHT VENTRICULAR CARDIOMYOPATHY; Desminopathy; Desmin related myopathy (former name); Desmin storage myopathy (former name). Identifiers: Orphanet 363543, Orphanet 98909, MedGen C1832370, MONDO:0011076, OMIM 601419.

Submissions (2):

Labcorp Genetics (formerly Invitae), Labcorp
Classification: Uncertain significance for Desmin-related myofibrillar myopathy. Last evaluated: 2020-01-15. Review status: criteria provided, single submitter. Criteria: Invitae Variant Classification Sherloc (09022015). Collection method: clinical testing. Allele origin: germline.
Comment: This variant disrupts the region of the DES protein between p.Arg454 and p.*471. This region has been determined to be associated with autosomal dominant DES-related conditions (PMID: 22153487, 22106715, 27854218, 20423733, 25557463, 22153487), which suggests that variants that occur in this region are likely to be clinically significant. In summary, the available evidence is currently insufficient to determine the role of this variant in disease. Therefore, it has been classified as a Variant of Uncertain Significance. ClinVar contains an entry for this variant (Variation ID: 290014). This variant is not present in population databases (ExAC no frequency). This sequence change disrupts the translational stop signal of the DES mRNA (p.*471Glnext*151). It is expected to extend the length of the DES protein by an additional 151 amino acids.

Eurofins Ntd Llc (ga)
Classification: Likely pathogenic. Last evaluated: 2016-08-04. Review status: criteria provided, single submitter. Criteria: EGL Classification Definitions 2015. Collection method: clinical testing. Allele origin: germline. Observed: 1 variant allele, 1 heterozygote.

Literature cited by the submitters: PubMed 22153487 (cited by Labcorp Genetics (formerly Invitae), Labcorp); PubMed 22106715 (cited by Labcorp Genetics (formerly Invitae), Labcorp); PubMed 27854218 (cited by Labcorp Genetics (formerly Invitae), Labcorp); PubMed 20423733 (cited by Labcorp Genetics (formerly Invitae), Labcorp); PubMed 25557463 (cited by Labcorp Genetics (formerly Invitae), Labcorp).